The following is an entry in ClinVar:

NM_001382430.1(AKT1):c.848A>G (p.Asp283Gly)

Gene: AKT1 (AKT serine/threonine kinase 1; minus strand). Cytogenetic location: 14q32.33.
Variant type: single nucleotide variant.
Coding change: c.848A>G on transcript NM_001382430.1 (MANE Select); coding-DNA position 848, A replaced by G.
Protein change: p.Asp283Gly; replaces aspartic acid 283 with glycine.
Molecular consequence: missense variant.
Genome position (GRCh38, 1-based): chr14:104,773,360, T>C on the plus strand (A>G on the coding strand, the complement: AKT1 is on the minus strand). VCF-style: chr14-104773360-T-C. GRCh37 (hg19) VCF-style: chr14-105239697-T-C.
Other names: c.848A>G, p.Asp283Gly (NM_001014431.2, NM_001014432.2, NM_001382431.1 and 3 more transcripts); short protein forms D283G.
Identifiers: ClinVar variation 4869263 (VCV004869263.1).
Genomic context (GRCh38, chr14:104,773,360, plus strand): 5'-CCGTCCTTGATCCCCTCCTTGCACAGCCCGAAGTCTGTGATCTTAATGTGCCCGTCCTTG[T>C]CCAGCATGAGGTTCTCCAGCTAGGGGAAAGGTGGCCTCAGGTCAGTGCCGCCAGGCCCCC-3'
Protein context (NP_001369359.1, residues 273-293): RDLKLENLML[Asp283Gly]KDGHIKITDF

ClinVar aggregate classification (germline): Uncertain significance (1 of 4 stars; one submission).

Conditions:
Inborn genetic diseases. Identifiers: MedGen C0950123, MeSH D030342.

Submission:

Ambry Genetics
Classification: Uncertain significance for Inborn genetic diseases. Last evaluated: 2026-06-10. Review status: criteria provided, single submitter. Criteria: Ambry Variant Classification Scheme 2023. Collection method: clinical testing. Allele origin: germline.
Comment: The p.D283G variant (also known as c.848A>G), located in coding exon 9 of the AKT1 gene, results from an A to G substitution at nucleotide position 848. The aspartic acid at codon 283 is replaced by glycine, an amino acid with similar properties. This amino acid position is conserved. In addition, the in silico prediction for this alteration is inconclusive. Based on the available evidence, the clinical significance of this variant remains unclear.